The following is an entry in ClinVar:

Conditions:
Long QT syndrome 5 (LQT5). Identifiers: Orphanet 101016, Orphanet 768, MedGen C1867904, MONDO:0013372, OMIM 613695.

Submission:

Roden Lab, Vanderbilt University Medical Center
No classification provided (evidence only). Condition: Long QT syndrome 5. Review status: no classification provided. Collection method: in vitro. Allele origin: not applicable. Functional consequence: Effect on ion channel function.
ClinVar note: "not provided" was previously submitted as the classification for the variant. However, the classification appeared to be based only on an observation of functional data so it was converted to no classification on 2025-07-30.

NM_000219.6(KCNE1):c.287A>T (p.Gln96Leu)

Gene: KCNE1 (potassium voltage-gated channel subfamily E regulatory subunit 1; minus strand). Cytogenetic location: 21q22.12.
Variant type: single nucleotide variant.
Coding change: c.287A>T on transcript NM_000219.6 (MANE Select); coding-DNA position 287, A replaced by T.
Protein change: p.Gln96Leu; replaces glutamine 96 with leucine.
Molecular consequence: missense variant.
Genome position (GRCh38, 1-based): chr21:34,449,348, T>A on the plus strand (A>T on the coding strand, the complement: KCNE1 is on the minus strand). VCF-style: chr21-34449348-T-A. GRCh37 (hg19) VCF-style: chr21-35821646-T-A.
Other names: c.287A>T, p.Gln96Leu (NM_001127668.4, NM_001127669.4, NM_001127670.4 and 4 more transcripts); short protein forms Q96L.
Identifiers: ClinVar variation 3374540 (VCV003374540.2).
Genomic context (GRCh38, chr21:34,449,348, plus strand): 5'-TCTATGGCCAGATGGTTTTCAACGACATAGCACGACCTGTAGCTCTCCAGGACCCGGGCC[T>A]GGACATAGGCCTTGTCCTTCTCTTGCCAGGCATCGGACTCGATGTAGACGTTGAATGGGT-3'
Protein context (NP_000210.2, residues 86-106): AWQEKDKAYV[Gln96Leu]ARVLESYRSC